The following is an entry in ClinVar:

NM_000237.3(LPL):c.149C>G (p.Ala50Gly)

Gene: LPL (lipoprotein lipase; plus strand). Cytogenetic location: 8p21.3.
Variant type: single nucleotide variant.
Coding change: c.149C>G on transcript NM_000237.3 (MANE Select); coding-DNA position 149, C replaced by G.
Protein change: p.Ala50Gly; replaces alanine 50 with glycine.
Molecular consequence: missense variant.
Genome position (GRCh38, 1-based): chr8:19,948,240, C>G. VCF-style: chr8-19948240-C-G. GRCh37 (hg19) VCF-style: chr8-19805751-C-G.
Other names: p.Ala50Gly; NC_000008.10:g.19805751C>G; c.149C>G (NM_000237.2); short protein forms A50G.
Identifiers: ClinVar variation 3233749 (VCV003233749.5), dbSNP rs148201569, ClinGen allele CA4655325.

ClinVar aggregate classification (germline): Uncertain significance. Review status: criteria provided, multiple submitters, no conflicts (2 of 4 stars). 3 submissions from 3 submitters: Uncertain significance (3). Last evaluated 2025-06-13.

Conditions:
Cardiovascular phenotype. Identifiers: MedGen CN230736.

Allele frequency attached by ClinVar (database versions not stated): TOPMed 0.00074; ESP Exome Variant Server 0.00108; 1000 Genomes Project 0.00140; 1000 Genomes Project 30x 0.00156.
gnomAD v4.1: 191 of 1,614,126 alleles (0.012%); highest among the groups gnomAD compares: African/African-American, 0.23%; no homozygotes.

Submissions (4):

Ambry Genetics
Classification: Uncertain significance for Cardiovascular phenotype. Last evaluated: 2025-06-13. Review status: criteria provided, single submitter. Criteria: Ambry Variant Classification Scheme 2023. Collection method: clinical testing. Allele origin: germline.
Comment: The p.A50G variant (also known as c.149C>G), located in coding exon 2 of the LPL gene, results from a C to G substitution at nucleotide position 149. The alanine at codon 50 is replaced by glycine, an amino acid with similar properties. This amino acid position is poorly conserved in available vertebrate species. In addition, this alteration is predicted to be tolerated by in silico analysis. Based on the available evidence, the clinical significance of this variant remains unclear.

Mayo Clinic Laboratories, Mayo Clinic
Classification: Uncertain significance. Last evaluated: 2024-05-09. Review status: criteria provided, single submitter. Criteria: ACMG Guidelines, 2015. Collection method: clinical testing. Allele origin: germline. Observed: 1 variant allele.
Comment: PP3

Women's Health and Genetics/Laboratory Corporation of America, LabCorp
Classification: Uncertain significance. Last evaluated: 2024-03-27. Review status: criteria provided, single submitter. Criteria: LabCorp Variant Classification Summary - May 2015. Collection method: clinical testing. Allele origin: germline.
Comment: Variant summary: LPL c.149C>G (p.Ala50Gly) results in a non-conservative amino acid change located in the Lipase (IPR013818) of the encoded protein sequence. Four of five in-silico tools predict a benign effect of the variant on protein function. The variant allele was found at a frequency of 0.00016 in 251494 control chromosomes. This frequency is not significantly higher than estimated for a pathogenic variant in LPL causing Familial Lipoprotein Lipase Deficiency (0.00016 vs 0.0034), allowing no conclusion about variant significance. c.149C>G has been reported in the literature in individuals affected with hypertriglyceridemia (Deshotels_2022). This report does not provide unequivocal conclusions about association of the variant with Familial Lipoprotein Lipase Deficiency. To our knowledge, no experimental evidence demonstrating an impact on protein function has been reported. The following publication have been ascertained in the context of this evaluation (PMID: 36325899). No submitters have cited clinical-significance assessments for this variant to ClinVar. Based on the evidence outlined above, the variant was classified as uncertain significance.

Dr. Peter K. Rogan Lab, Western University
No classification provided (evidence only). Condition: Ovarian serous cystadenocarcinoma. Review status: no classification provided. Collection method: in vitro. Allele origin: not applicable. Functional consequence: retained intron. Not counted in ClinVar's aggregate classification.

Literature cited by the submitters: PubMed 36325899 (cited by Mayo Clinic Laboratories, Mayo Clinic and Women's Health and Genetics/Laboratory Corporation of America, LabCorp).